The following is an entry in ClinVar:

NM_020778.4(ALPK3):c.173C>A

Gene: ALPK3 (alpha kinase 3; plus strand). Cytogenetic location: 15q25.3.
Variant type: single nucleotide variant.
Coding change: c.173C>A on transcript NM_020778.4; coding-DNA position 173, C replaced by A.
Genome position (GRCh38, 1-based): chr15:84,817,019, C>A. VCF-style: chr15-84817019-C-A. GRCh37 (hg19) VCF-style: chr15-85360250-C-A.
Identifiers: ClinVar variation 5036616 (VCV005036616.1).

ClinVar aggregate classification (germline): Uncertain significance (1 of 4 stars; one submission).

Conditions:
Cardiovascular phenotype. Identifiers: MedGen CN230736.

Submission:

Ambry Genetics
Classification: Uncertain significance for Cardiovascular phenotype. Last evaluated: 2026-08-16. Review status: criteria provided, single submitter. Criteria: Ambry Variant Classification Scheme 2023. Collection method: clinical testing. Allele origin: germline.
Comment: The p.P58H variant (also known as c.173C>A), located in coding exon 1 of the ALPK3 gene, results from a C to A substitution at nucleotide position 173. The proline at codon 58 is replaced by histidine, an amino acid with similar properties. This amino acid position is conserved. In addition, this alteration is predicted to be tolerated by in silico analysis. Based on the available evidence, the clinical significance of this variant remains unclear.